The following is an entry in ClinVar:

NM_000426.4(LAMA2):c.26T>A (p.Leu9His)

Gene: LAMA2 (laminin subunit alpha 2; plus strand). Cytogenetic location: 6q22.33.
Variant type: single nucleotide variant.
Coding change: c.26T>A on transcript NM_000426.4 (MANE Select); coding-DNA position 26, T replaced by A.
Protein change: p.Leu9His; replaces leucine 9 with histidine.
Molecular consequence: missense variant.
Genome position (GRCh38, 1-based): chr6:128,883,271, T>A. VCF-style: chr6-128883271-T-A. GRCh37 (hg19) VCF-style: chr6-129204416-T-A.
Other names: c.26T>A, p.Leu9His (NM_001079823.2); short protein forms L9H.
Identifiers: ClinVar variation 2084855 (VCV002084855.1), dbSNP rs915657383, ClinGen allele CA147234470.

ClinVar aggregate classification (germline): Uncertain significance (1 of 4 stars; one submission).

Conditions:
LAMA2-related muscular dystrophy (LAMA2-RD). Also called: Laminin alpha 2-related dystrophy. Identifiers: MedGen C5679788, MONDO:0100228.

Submission:

Labcorp Genetics (formerly Invitae), Labcorp
Classification: Uncertain significance for LAMA2-related muscular dystrophy. Last evaluated: 2022-01-16. Review status: criteria provided, single submitter. Criteria: Invitae Variant Classification Sherloc (09022015). Collection method: clinical testing. Allele origin: germline.
Comment: This sequence change replaces leucine, which is neutral and non-polar, with histidine, which is basic and polar, at codon 9 of the LAMA2 protein (p.Leu9His). This variant is not present in population databases (gnomAD no frequency). This variant has not been reported in the literature in individuals affected with LAMA2-related conditions. Advanced modeling of protein sequence and biophysical properties (such as structural, functional, and spatial information, amino acid conservation, physicochemical variation, residue mobility, and thermodynamic stability) performed at Invitae indicates that this missense variant is not expected to disrupt LAMA2 protein function. In summary, the available evidence is currently insufficient to determine the role of this variant in disease. Therefore, it has been classified as a Variant of Uncertain Significance.